The following is an entry in ClinVar:

ClinVar aggregate classification (germline): Uncertain significance (1 of 4 stars; one submission).

Allele frequency attached by ClinVar (database versions not stated): TOPMed below 0.00001; gnomAD 0.00001; gnomAD exomes below 0.00001.
gnomAD v4.1: 2 of 1,614,002 alleles (0.00012%); highest among the groups gnomAD compares: Non-Finnish European, 0.00017%; no homozygotes.

Submission:

Labcorp Genetics (formerly Invitae), Labcorp
Classification: Uncertain significance. Last evaluated: 2022-04-04. Review status: criteria provided, single submitter. Criteria: Invitae Variant Classification Sherloc (09022015). Collection method: clinical testing. Allele origin: germline.
Comment: This variant has not been reported in the literature in individuals affected with TFAP2A-related conditions. This variant is not present in population databases (gnomAD no frequency). This sequence change replaces alanine, which is neutral and non-polar, with threonine, which is neutral and polar, at codon 232 of the TFAP2A protein (p.Ala232Thr). Algorithms developed to predict the effect of missense changes on protein structure and function are either unavailable or do not agree on the potential impact of this missense change (SIFT: "Deleterious"; PolyPhen-2: "Benign"; Align-GVGD: "Class C0"). In summary, the available evidence is currently insufficient to determine the role of this variant in disease. Therefore, it has been classified as a Variant of Uncertain Significance.

NM_001372066.1(TFAP2A):c.700G>A (p.Ala234Thr)

Genes: TFAP2A (transcription factor AP-2 alpha; minus strand), TFAP2A-AS2 (TFAP2A antisense RNA 2; plus strand), LOC121740638 (BRD4-independent group 4 enhancer GRCh37_chr6:10403277-10404476; plus strand). Cytogenetic location: 6p24.3.
Variant type: single nucleotide variant.
Coding change: c.700G>A on transcript NM_001372066.1 (MANE Select); coding-DNA position 700, G replaced by A.
Protein change: p.Ala234Thr; replaces alanine 234 with threonine.
Molecular consequence: missense variant. On other transcripts: non-coding transcript variant (1).
Genome position (GRCh38, 1-based): chr6:10,404,578, C>T on the plus strand (G>A on the coding strand, the complement: TFAP2A is on the minus strand). VCF-style: chr6-10404578-C-T. GRCh37 (hg19) VCF-style: chr6-10404811-C-T.
Other names: c.676G>A, p.Ala226Thr (NM_001032280.3); c.682G>A, p.Ala228Thr (NM_001042425.3); short protein forms A234T, A228T, A226T.
Identifiers: ClinVar variation 2095335 (VCV002095335.4), dbSNP rs1757611000, ClinGen allele CA362701320.
Genomic context (GRCh38, chr6:10,404,578, plus strand): 5'-CTCCGCCCAGCAGCGACGCGTTGAGACACTCGGGTGGTGAGAGCCGCCGCTGCACTTCCG[C>T]CACCGTGACCTTGTACTTCGAGGTGGAGCTGAGGAGCGAGAGGCGACCCGGAACTGAACA-3'
Protein context (NP_001358995.1, residues 224-244): SSTSKYKVTV[Ala234Thr]EVQRRLSPPE